The following is an entry in ClinVar:

NM_001035.3(RYR2):c.13119_13120del (p.Ser4373fs)

Genes: RYR2 (ryanodine receptor 2; plus strand), LOC126806068 (BRD4-independent group 4 enhancer GRCh37_chr1:237947411-237948610; plus strand). Cytogenetic location: 1q43.
Variant type: Deletion.
Coding change: c.13119_13120del on transcript NM_001035.3 (MANE Select); coding-DNA positions 13119 to 13120, 2 bases deleted (TG; older notation c.13119_13120delTG).
Protein change: p.Ser4373fs; shifts the reading frame from serine 4373.
Molecular consequence: frameshift variant.
Genome position (GRCh38, 1-based): chr1:237,784,831-237,784,832, TG deleted; deleting any 2 consecutive bases within chr1:237,784,830-237,784,832 gives the same sequence; the c. name uses the placement nearest the transcript's 3' end. VCF-style (leftmost placement, unchanged base first): chr1-237784829-AGT-A. GRCh37 (hg19) VCF-style: chr1-237948129-AGT-A.
Other names: short protein forms S4373fs.
Identifiers: ClinVar variation 5002840 (VCV005002840.1).

ClinVar aggregate classification (germline): Uncertain significance (1 of 4 stars; one submission).

Conditions:
Catecholaminergic polymorphic ventricular tachycardia 1. Also called: VENTRICULAR TACHYCARDIA, STRESS-INDUCED POLYMORPHIC 1; VENTRICULAR TACHYCARDIA, CATECHOLAMINERGIC POLYMORPHIC, 1, WITH OR WITHOUT ATRIAL DYSFUNCTION AND/OR DILATED CARDIOMYOPATHY; RYR2-Related Catecholaminergic Polymorphic Ventricular Tachycardia. Identifiers: Orphanet 3286, MedGen C1631597, MONDO:0011484, OMIM 604772.

Submission:

OLLIN Analises Genomicas, OLLIN
Classification: Uncertain significance for Catecholaminergic polymorphic ventricular tachycardia 1. Last evaluated: 2026-08-06. Review status: criteria provided, single submitter. Criteria: ACMG Guidelines 2015 PMID 25741868. Collection method: clinical testing. Allele origin: germline. Inheritance: Autosomal dominant inheritance.
Comment: This frameshift variant, located in exon 90 (of 105), is absent from gnomAD and ClinVar and has not been identified in the literature. This variant causes a frameshift and introduces a premature stop codon, which is predicted to result in either a truncated protein or degradation of the mRNA via nonsense-mediated decay (NMD). According to the currently available evidence, this variant has been classified as uncertain significance (PM2_P).